The following is an entry in ClinVar:

ClinVar aggregate classification (germline): Uncertain significance (1 of 4 stars; one submission).

Conditions:
Familial hemophagocytic lymphohistiocytosis 2 (FHL2). Also called: PRF1-Related Familial Hemophagocytic Lymphohistiocytosis (PRF1-fHLH). Identifiers: Orphanet 540, MedGen C1863727, MONDO:0011337, OMIM 603553.

Allele frequency attached by ClinVar (database versions not stated): gnomAD exomes below 0.00001.

Submission:

Labcorp Genetics (formerly Invitae), Labcorp
Classification: Uncertain significance for Familial hemophagocytic lymphohistiocytosis 2. Last evaluated: 2021-08-27. Review status: criteria provided, single submitter. Criteria: Invitae Variant Classification Sherloc (09022015). Collection method: clinical testing. Allele origin: germline.
Comment: This sequence change replaces proline with serine at codon 69 of the PRF1 protein (p.Pro69Ser). The proline residue is moderately conserved and there is a moderate physicochemical difference between proline and serine. This variant is not present in population databases (ExAC no frequency). This variant has not been reported in the literature in individuals affected with PRF1-related conditions. Algorithms developed to predict the effect of missense changes on protein structure and function output the following: SIFT: "Tolerated"; PolyPhen-2: "Benign"; Align-GVGD: "Class C0". The serine amino acid residue is found in multiple mammalian species, which suggests that this missense change does not adversely affect protein function. In summary, the available evidence is currently insufficient to determine the role of this variant in disease. Therefore, it has been classified as a Variant of Uncertain Significance.

NM_001083116.3(PRF1):c.205C>T (p.Pro69Ser)

Gene: PRF1 (perforin 1; minus strand). Cytogenetic location: 10q22.1.
Variant type: single nucleotide variant.
Coding change: c.205C>T on transcript NM_001083116.3 (MANE Select); coding-DNA position 205, C replaced by T.
Protein change: p.Pro69Ser; replaces proline 69 with serine.
Molecular consequence: missense variant.
Genome position (GRCh38, 1-based): chr10:70,600,698, G>A on the plus strand (C>T on the coding strand, the complement: PRF1 is on the minus strand). VCF-style: chr10-70600698-G-A. GRCh37 (hg19) VCF-style: chr10-72360454-G-A.
Other names: c.205C>T, p.Pro69Ser (NM_005041.6); short protein forms P69S.
Identifiers: ClinVar variation 1061561 (VCV001061561.6), dbSNP rs1848215226, ClinGen allele CA376959881.
Genomic context (GRCh38, chr10:70,600,698, plus strand): 5'-GCAGGCGCTGGAGGGTGCCCTCCTGTAGGGCATTTTCACAGAGGGTGCAGGTGCCGTCGG[G>A]CCGCAGGAACCTTTGTGTGTCCACTGGGAAGGAGCCCGAGCGGCGGAGGCTGGTCACGTC-3'
Protein context (NP_001076585.1, residues 59-79): FPVDTQRFLR[Pro69Ser]DGTCTLCENA